The following is an entry in ClinVar:

NM_002840.5(PTPRF):c.959del (p.Lys320fs)

Gene: PTPRF (protein tyrosine phosphatase receptor type F; plus strand). Cytogenetic location: 1p34.2.
Variant type: Deletion.
Coding change: c.959del on transcript NM_002840.5 (MANE Select); coding-DNA position 959, one base deleted (A; older notation c.959delA).
Protein change: p.Lys320fs; shifts the reading frame from lysine 320.
Molecular consequence: frameshift variant.
Genome position (GRCh38, 1-based): chr1:43,590,981, A deleted; the last of 3 consecutive A bases (chr1:43,590,979-43,590,981); deleting any one gives the same sequence. VCF-style (leftmost placement, unchanged base first): chr1-43590978-CA-C. GRCh37 (hg19) VCF-style: chr1-44056649-CA-C.
Other names: c.977del, p.Lys326fs (NM_001329137.2); c.989del, p.Lys330fs (NM_001329138.2); c.959del, p.Lys320fs (NM_001329139.2, NM_001329140.2, NM_130440.4); c.959delA (NM_002840.5); short protein forms K320fs, K326fs, K330fs.
Identifiers: ClinVar variation 4845793 (VCV004845793.1).

ClinVar aggregate classification (germline): Likely pathogenic (1 of 4 stars; one submission).

Conditions:
Breasts and/or nipples, aplasia or hypoplasia of, 2 (BNAH2). Identifiers: MedGen C4014918, MONDO:0014450, OMIM 616001.

Submission:

First Genomix Gene Laboratory, Genetic Diagnostics Department
Classification: Likely pathogenic for Breasts and/or nipples, aplasia or hypoplasia of, 2. Last evaluated: 2025-03-25. Review status: criteria provided, single submitter. Criteria: ACMG Guidelines, 2015. Collection method: clinical testing. Allele origin: germline. Inheritance: Autosomal recessive inheritance. Affected: no. Observed: 1 variant allele.